The following is an entry in ClinVar:

ClinVar aggregate classification (germline): Uncertain significance. Review status: criteria provided, multiple submitters, no conflicts (2 of 4 stars). 3 submissions from 3 submitters: Uncertain significance (2). 1 of the submissions does not count toward it. Last evaluated 2023-12-20.

Conditions:
Neuromuscular disease caused by qualitative or quantitative defects of dysferlin. Also called: Qualitative or quantitative defects of dysferlin; Dysferlinopathy. Identifiers: Orphanet 207073, MedGen C2931687, MONDO:0016145.
Autosomal recessive limb-girdle muscular dystrophy type 2B (LGMDR2). Also called: MUSCULAR DYSTROPHY, LIMB-GIRDLE, TYPE 3; MUSCULAR DYSTROPHY, LIMB-GIRDLE, AUTOSOMAL RECESSIVE 2; Limb-girdle muscular dystrophy, type 2B; Limb-Girdle Muscular Dystrophy Type 2B (LGMD2B). Identifiers: Orphanet 268, MedGen C1850889, MONDO:0009676, OMIM 253601.

Allele frequency attached by ClinVar (database versions not stated): gnomAD exomes below 0.00001 and 0.00001; ExAC 0.00002.
gnomAD v4.1: 1 of 1,614,198 alleles (0.000062%); highest among the groups gnomAD compares: Admixed American, 0.0017%; no homozygotes.

Submissions (3):

Revvity Omics, Revvity
Classification: Uncertain significance. Last evaluated: 2023-12-20. Review status: criteria provided, single submitter. Criteria: ACMG Guidelines, 2015. Collection method: clinical testing. Allele origin: germline.

Labcorp Genetics (formerly Invitae), Labcorp
Classification: Uncertain significance for Neuromuscular disease caused by qualitative or quantitative defects of dysferlin. Last evaluated: 2022-07-11. Review status: criteria provided, single submitter. Criteria: Invitae Variant Classification Sherloc (09022015). Collection method: clinical testing. Allele origin: germline.
Comment: This sequence change replaces tyrosine, which is neutral and polar, with histidine, which is basic and polar, at codon 1858 of the DYSF protein (p.Tyr1858His). This variant is present in population databases (rs777543798, gnomAD 0.006%). This variant has not been reported in the literature in individuals affected with DYSF-related conditions. ClinVar contains an entry for this variant (Variation ID: 844749). Advanced modeling of protein sequence and biophysical properties (such as structural, functional, and spatial information, amino acid conservation, physicochemical variation, residue mobility, and thermodynamic stability) performed at Invitae indicates that this missense variant is expected to disrupt DYSF protein function. In summary, the available evidence is currently insufficient to determine the role of this variant in disease. Therefore, it has been classified as a Variant of Uncertain Significance.

Natera, Inc.
Classification: Uncertain significance for Limb-girdle muscular dystrophy type 2B. Last evaluated: 2020-09-16. Review status: no assertion criteria provided. Collection method: clinical testing. Allele origin: germline. Not counted in ClinVar's aggregate classification.

NM_001130987.2(DYSF):c.5689T>C (p.Tyr1897His)

Gene: DYSF (dysferlin; plus strand). Cytogenetic location: 2p13.2.
Variant type: single nucleotide variant.
Coding change: c.5689T>C on transcript NM_001130987.2 (MANE Select); coding-DNA position 5689, T replaced by C.
Protein change: p.Tyr1897His; replaces tyrosine 1897 with histidine.
Molecular consequence: missense variant.
Genome position (GRCh38, 1-based): chr2:71,669,651, T>C. VCF-style: chr2-71669651-T-C. GRCh37 (hg19) VCF-style: chr2-71896781-T-C.
Other names: c.5575T>C, p.Tyr1859His (NM_001130455.2); c.5530T>C, p.Tyr1844His (NM_001130976.2); c.5593T>C, p.Tyr1865His (NM_001130977.2); c.5635T>C, p.Tyr1879His (NM_001130978.2); c.5665T>C, p.Tyr1889His (NM_001130979.2); c.5623T>C, p.Tyr1875His (NM_001130980.2); c.5686T>C, p.Tyr1896His (NM_001130981.2); c.5668T>C, p.Tyr1890His (NM_001130982.2); and 5 more; short protein forms Y1876H, Y1879H, Y1890H, Y1897H, Y1844H, Y1845H, Y1859H, Y1865H.
Identifiers: ClinVar variation 844749 (VCV000844749.8), dbSNP rs777543798, ClinGen allele CA1707476.